The following is an entry in ClinVar:

NM_000388.4(CASR):c.2729C>A (p.Pro910His)

Gene: CASR (calcium sensing receptor; plus strand). Cytogenetic location: 3q21.1.
Variant type: single nucleotide variant.
Coding change: c.2729C>A on transcript NM_000388.4 (MANE Select); coding-DNA position 2729, C replaced by A.
Protein change: p.Pro910His; replaces proline 910 with histidine.
Molecular consequence: missense variant.
Genome position (GRCh38, 1-based): chr3:122,284,683, C>A. VCF-style: chr3-122284683-C-A. GRCh37 (hg19) VCF-style: chr3-122003530-C-A.
Other names: c.2759C>A, p.Pro920His (NM_001178065.2); short protein forms P910H, P920H.
Identifiers: ClinVar variation 2451448 (VCV002451448.3), dbSNP rs1219288084, ClinGen allele CA354160637.

ClinVar aggregate classification (germline): Uncertain significance. Review status: criteria provided, multiple submitters, no conflicts (2 of 4 stars). 2 submissions from 2 submitters: Uncertain significance (2). Last evaluated 2026-04-29.

Conditions:
Nephrolithiasis/nephrocalcinosis. Identifiers: MedGen CN580796.

gnomAD v4.1: 1 of 1,613,502 alleles (0.000062%); highest among the groups gnomAD compares: Non-Finnish European, 0.000085%; no homozygotes.

Submissions (2):

Women's Health and Genetics/Laboratory Corporation of America, LabCorp
Classification: Uncertain significance. Last evaluated: 2026-04-29. Review status: criteria provided, single submitter. Criteria: LabCorp Variant Classification Summary - May 2015. Collection method: clinical testing. Allele origin: germline.
Comment: Variant summary: CASR c.2729C>A (p.Pro910His) results in a non-conservative amino acid change in the encoded protein sequence. Algorithms developed to predict the effect of missense changes on protein structure and function all suggest that this variant is likely to be disruptive. The variant was absent in 250728 control chromosomes. The available data on variant occurrences in the general population are insufficient to allow any conclusion about variant significance. To our knowledge, no occurrence of c.2729C>A in individuals affected with CASR-related conditions and no experimental evidence demonstrating its impact on protein function have been reported. ClinVar contains an entry for this variant (Variation ID: 2451448). Based on the evidence outlined above, the variant was classified as uncertain significance.

Ambry Genetics
Classification: Uncertain significance for Nephrolithiasis/nephrocalcinosis. Last evaluated: 2022-11-30. Review status: criteria provided, single submitter. Criteria: Ambry Variant Classification Scheme 2023. Collection method: clinical testing. Allele origin: germline.
Comment: The p.P910H variant (also known as c.2729C>A), located in coding exon 6 of the CASR gene, results from a C to A substitution at nucleotide position 2729. The proline at codon 910 is replaced by histidine, an amino acid with similar properties. This amino acid position is conserved. In addition, the in silico prediction for this alteration is inconclusive. Since supporting evidence is limited at this time, the clinical significance of this alteration remains unclear.